The following is an entry in ClinVar:

ClinVar aggregate classification (germline): Benign/Likely benign. Review status: criteria provided, multiple submitters, no conflicts (2 of 4 stars). 12 submissions from 12 submitters: Benign (2); Likely benign (7). 3 of the submissions do not count toward it. Last evaluated 2026-03-01.

Conditions:
Cardiac arrhythmia. Also called: Arrhythmia; Cardiac rhythm disease. Identifiers: MedGen C0003811, MONDO:0007263, HP:0011675.
Cardiovascular phenotype. Identifiers: MedGen CN230736.
Long QT syndrome (LQTS). Identifiers: MedGen C0023976, MeSH D008133, MONDO:0002442. Disease mechanism: loss of function. Inheritance: Various modes of inheritance.

Allele frequency attached by ClinVar (database versions not stated): 1000 Genomes Project 30x 0.00016; 1000 Genomes Project 0.00020; gnomAD exomes 0.00027 and 0.00048; ExAC 0.00038; gnomAD 0.00046 and 0.00049; TOPMed 0.00046; ESP Exome Variant Server 0.00077.
gnomAD v4.1: 758 of 1,614,002 alleles (0.047%); highest among the groups gnomAD compares: Non-Finnish European, 0.062%; 1 homozygote.

Submissions (12):

CeGaT Center for Human Genetics Tuebingen
Classification: Likely benign. Last evaluated: 2026-03-01. Review status: criteria provided, single submitter. Criteria: CeGaT Center For Human Genetics Tuebingen Variant Classification Criteria Version 2. Collection method: clinical testing. Allele origin: germline. Affected: yes. Observed: 1 variant allele.
Comment: KCNQ1: BP4, BP7

Labcorp Genetics (formerly Invitae), Labcorp
Classification: Likely benign for Long QT syndrome. Last evaluated: 2026-01-27. Review status: criteria provided, single submitter. Criteria: Invitae Variant Classification Sherloc (09022015). Collection method: clinical testing. Allele origin: germline.

ARUP Laboratories, Molecular Genetics and Genomics, ARUP Laboratories
Classification: Likely benign. Last evaluated: 2025-04-11. Review status: criteria provided, single submitter. Criteria: ARUP Molecular Germline Variant Investigation Process 2024. Collection method: clinical testing. Allele origin: germline.

Blueprint Genetics
Classification: Likely benign. Last evaluated: 2024-10-16. Review status: criteria provided, single submitter. Criteria: ACMG Guidelines, 2015. Collection method: clinical testing. Allele origin: germline.

All of Us Research Program, National Institutes of Health
Classification: Likely benign for Long QT syndrome. Last evaluated: 2024-02-05. Review status: criteria provided, single submitter. Criteria: ACMG Guidelines, 2015. Collection method: clinical testing. Allele origin: germline. Inheritance: Autosomal dominant inheritance. Observed: 110 variant alleles, 109 heterozygotes, 1 homozygote.
Comment: This study involves interpretation of variants in research participants for the purpose of population health screening. Participant phenotype was not available at the time of variant classification. Additional details can be found in publication PMID: 35346344, PMCID: PMC8962531

Women's Health and Genetics/Laboratory Corporation of America, LabCorp
Classification: Benign. Last evaluated: 2022-07-24. Review status: criteria provided, single submitter. Criteria: LabCorp Variant Classification Summary - May 2015. Collection method: clinical testing. Allele origin: germline.

Color Diagnostics, LLC DBA Color Health
Classification: Likely benign for Arrhythmia. Last evaluated: 2018-06-04. Review status: criteria provided, single submitter. Criteria: ACMG Guidelines, 2015. Collection method: clinical testing. Allele origin: germline.

Ambry Genetics
Classification: Likely benign for Cardiovascular phenotype. Last evaluated: 2015-10-21. Review status: criteria provided, single submitter. Criteria: Ambry Variant Classification Scheme 2023. Collection method: clinical testing. Allele origin: germline.

GeneDx
Classification: Benign. Last evaluated: 2015-03-03. Review status: criteria provided, single submitter. Criteria: GeneDx Variant Classification Process June 2021. Collection method: clinical testing. Allele origin: germline. Affected: yes.

Clinical Genetics, Academic Medical Center
Classification: Benign. Review status: no assertion criteria provided. Collection method: clinical testing. Allele origin: germline. Affected: yes. Study: VKGL Data-share Consensus. Not counted in ClinVar's aggregate classification.

Genome Diagnostics Laboratory, University Medical Center Utrecht
Classification: Likely benign. Review status: no assertion criteria provided. Collection method: clinical testing. Allele origin: germline. Affected: yes. Study: VKGL Data-share Consensus. Not counted in ClinVar's aggregate classification.

Joint Genome Diagnostic Labs from Nijmegen and Maastricht, Radboudumc and MUMC+
Classification: Likely benign. Review status: no assertion criteria provided. Collection method: clinical testing. Allele origin: germline. Affected: yes. Study: VKGL Data-share Consensus. Not counted in ClinVar's aggregate classification.

NM_000218.3(KCNQ1):c.984C>T (p.Ile328=)

Gene: KCNQ1 (potassium voltage-gated channel subfamily Q member 1; plus strand). Cytogenetic location: 11p15.5.
Variant type: single nucleotide variant.
Coding change: c.984C>T on transcript NM_000218.3 (MANE Select); coding-DNA position 984, C replaced by T.
Protein change: p.Ile328=; no amino-acid change (isoleucine 328 retained).
Molecular consequence: synonymous variant.
Genome position (GRCh38, 1-based): chr11:2,583,497, C>T. VCF-style: chr11-2583497-C-T. GRCh37 (hg19) VCF-style: chr11-2604727-C-T.
Other names: c.984C>T, p.Ile328= (NM_001406836.1); c.714C>T, p.Ile238= (NM_001406837.1); c.540C>T, p.Ile180= (NM_001406838.1); c.603C>T, p.Ile201= (NM_181798.2).
Identifiers: ClinVar variation 264431 (VCV000264431.45), dbSNP rs140019543, ClinGen allele CA041905.
Genomic context (GRCh38, chr11:2,583,497, plus strand): 5'-CACAGTCACCACCATCGGCTATGGGGACAAGGTGCCCCAGACGTGGGTCGGGAAGACCAT[C>T]GCCTCCTGCTTCTCTGTCTTTGCCATCTCCTTCTTTGCGCTCCCAGCGGTAGGTGCCCCG-3'
Protein context (NP_000209.2, residues 318-338): KVPQTWVGKT[Ile328=]ASCFSVFAIS